The following is an entry in ClinVar:

ClinVar aggregate classification (germline): Uncertain significance (1 of 4 stars; one submission).

Submission:

Ambry Genetics
Classification: Uncertain significance. Last evaluated: 2025-02-28. Review status: criteria provided, single submitter. Criteria: Ambry Variant Classification Scheme 2023. Collection method: clinical testing. Allele origin: germline.
Comment: The p.E348G variant (also known as c.1043A>G), located in coding exon 10 of the RAD51B gene, results from an A to G substitution at nucleotide position 1043. The glutamic acid at codon 348 is replaced by glycine, an amino acid with similar properties. This amino acid position is conserved. In addition, this alteration is predicted to be tolerated by in silico analysis. Based on the available evidence, the clinical significance of this variant remains unclear.

NM_133510.4(RAD51B):c.1043A>G (p.Glu348Gly)

Gene: RAD51B (RAD51 paralog B; plus strand). Cytogenetic location: 14q24.1.
Variant type: single nucleotide variant.
Coding change: c.1043A>G on transcript NM_133510.4 (MANE Select); coding-DNA position 1043, A replaced by G.
Protein change: p.Glu348Gly; replaces glutamic acid 348 with glycine.
Molecular consequence: missense variant. On other transcripts: intron variant (9).
Genome position (GRCh38, 1-based): chr14:68,477,654, A>G. VCF-style: chr14-68477654-A-G. GRCh37 (hg19) VCF-style: chr14-68944371-A-G.
Other names: c.686A>G, p.Glu229Gly (NM_001321817.2); c.1036+9404A>G (NM_001321818.2, NM_001321809.2, NM_001321821.2 and 5 more transcripts); c.922+9404A>G (NM_001321815.1); short protein forms E229G, E348G.
Identifiers: ClinVar variation 3786466 (VCV003786466.1).